The following is an entry in ClinVar:

NM_001142459.2(ASB10):c.194G>C (p.Gly65Ala)

Gene: ASB10 (ankyrin repeat and SOCS box containing 10; minus strand). Cytogenetic location: 7q36.1.
Variant type: single nucleotide variant.
Coding change: c.194G>C on transcript NM_001142459.2 (MANE Select); coding-DNA position 194, G replaced by C.
Protein change: p.Gly65Ala; replaces glycine 65 with alanine.
Molecular consequence: missense variant. On other transcripts: intron variant (1).
Genome position (GRCh38, 1-based): chr7:151,186,937, C>G on the plus strand (G>C on the coding strand, the complement: ASB10 is on the minus strand). VCF-style: chr7-151186937-C-G. GRCh37 (hg19) VCF-style: chr7-150884024-C-G.
Other names: c.194G>C, p.Gly65Ala (NM_001142460.1); c.272-278G>C (NM_080871.4); short protein forms G65A.
Identifiers: ClinVar variation 4986581 (VCV004986581.1).

ClinVar aggregate classification (germline): Uncertain significance (1 of 4 stars; one submission).

Conditions:
ASB10-related disorder. Also called: ASB10-related condition.

gnomAD v4.1: 1 of 1,613,678 alleles (0.000062%); highest among the groups gnomAD compares: Admixed American, 0.0017%; no homozygotes.

Submission:

PreventionGenetics, part of Exact Sciences
Classification: Uncertain significance for ASB10-related condition. Last evaluated: 2026-03-08. Review status: criteria provided, single submitter. Criteria: ACMG Guidelines, 2015. Collection method: clinical testing. Allele origin: germline.
Comment: The ASB10 c.194G>C variant is predicted to result in the amino acid substitution p.Gly65Ala. To our knowledge, this variant has not been reported in the literature or in a large population database (gnomAD), indicating this variant is rare. An alternate missense change at the same position was reported in a patient with open angle glaucoma (p.Gly65Glu; Pasutto et al. 2012. PubMed ID: 22156576). At this time, the clinical significance of this variant is uncertain due to the absence of conclusive functional and genetic evidence.